The following is an entry in ClinVar:

NM_001256789.3(CACNA1F):c.3065C>A (p.Ala1022Asp)

Gene: CACNA1F (calcium voltage-gated channel subunit alpha1 F; minus strand). Cytogenetic location: Xp11.23.
Variant type: single nucleotide variant.
Coding change: c.3065C>A on transcript NM_001256789.3 (MANE Select); coding-DNA position 3065, C replaced by A.
Protein change: p.Ala1022Asp; replaces alanine 1022 with aspartic acid.
Molecular consequence: missense variant.
Genome position (GRCh38, 1-based): chrX:49,217,779, G>T on the plus strand (C>A on the coding strand, the complement: CACNA1F is on the minus strand). VCF-style: chrX-49217779-G-T. GRCh37 (hg19) VCF-style: chrX-49074238-G-T.
Other names: c.2903C>A, p.Ala968Asp (NM_001256790.3); c.3098C>A, p.Ala1033Asp (NM_005183.4); short protein forms A968D, A1033D, A1022D.
Identifiers: ClinVar variation 1037477 (VCV001037477.10), dbSNP rs2065732486, ClinGen allele CA412964240.
Genomic context (GRCh38, chrX:49,217,779, plus strand): 5'-CTGAGCTCCGTGGACGGCAGGGTCTTGGGCACTCACTTGCATTCTTGAGGGGTGTGTTTG[G>T]CCTCGTCCGTGCAGGTGTAGAATTTCCCCTGTAGAGAGGATGTCTGTCAAGTAGGTTCAC-3'
Protein context (NP_001243718.1, residues 1012-1032): KGKFYTCTDE[Ala1022Asp]KHTPQECKGS

ClinVar aggregate classification (germline): Uncertain significance. Review status: criteria provided, multiple submitters, no conflicts (2 of 4 stars). 2 submissions from 2 submitters: Uncertain significance (2). Last evaluated 2022-12-29.

Submissions (2):

Labcorp Genetics (formerly Invitae), Labcorp
Classification: Uncertain significance. Last evaluated: 2022-12-29. Review status: criteria provided, single submitter. Criteria: Invitae Variant Classification Sherloc (09022015). Collection method: clinical testing. Allele origin: germline.
Comment: This sequence change replaces alanine, which is neutral and non-polar, with aspartic acid, which is acidic and polar, at codon 1033 of the CACNA1F protein (p.Ala1033Asp). This variant is not present in population databases (gnomAD no frequency). In summary, the available evidence is currently insufficient to determine the role of this variant in disease. Therefore, it has been classified as a Variant of Uncertain Significance. Advanced modeling of protein sequence and biophysical properties (such as structural, functional, and spatial information, amino acid conservation, physicochemical variation, residue mobility, and thermodynamic stability) performed at Invitae indicates that this missense variant is not expected to disrupt CACNA1F protein function. ClinVar contains an entry for this variant (Variation ID: 1037477). This variant has not been reported in the literature in individuals affected with CACNA1F-related conditions.

Blueprint Genetics
Classification: Uncertain significance. Last evaluated: 2021-09-03. Review status: criteria provided, single submitter. Criteria: ACMG Guidelines, 2015. Collection method: clinical testing. Allele origin: germline.